The following is an entry in ClinVar:

ClinVar aggregate classification (germline): Uncertain significance (1 of 4 stars; one submission).

Submission:

Women's Health and Genetics/Laboratory Corporation of America, LabCorp
Classification: Uncertain significance. Last evaluated: 2025-10-23. Review status: criteria provided, single submitter. Criteria: LabCorp Variant Classification Summary - May 2015. Collection method: clinical testing. Allele origin: germline.
Comment: Variant summary: MTSS2 c.2132C>A (p.Pro711His) results in a non-conservative amino acid change in the encoded protein sequence. Algorithms developed to predict the effect of missense changes on protein structure and function are either unavailable or do not agree on the potential impact of this missense change. The variant was absent in 150746 control chromosomes. The available data on variant occurrences in the general population are insufficient to allow any conclusion about variant significance. To our knowledge, no occurrence of c.2132C>A in individuals affected with MTSS2-related conditions and no experimental evidence demonstrating its impact on protein function have been reported. No submitters have cited clinical-significance assessments for this variant to ClinVar. Based on the evidence outlined above, the variant was classified as uncertain significance.

NM_138383.3(MTSS2):c.2132C>A (p.Pro711His)

Gene: MTSS2 (MTSS I-BAR domain containing 2; minus strand). Cytogenetic location: 16q22.1.
Variant type: single nucleotide variant.
Coding change: c.2132C>A on transcript NM_138383.3 (MANE Select); coding-DNA position 2132, C replaced by A.
Protein change: p.Pro711His; replaces proline 711 with histidine.
Molecular consequence: missense variant.
Genome position (GRCh38, 1-based): chr16:70,663,789, G>T on the plus strand (C>A on the coding strand, the complement: MTSS2 is on the minus strand). VCF-style: chr16-70663789-G-T. GRCh37 (hg19) VCF-style: chr16-70697692-G-T.
Other names: short protein forms P711H.
Identifiers: ClinVar variation 4687790 (VCV004687790.1).